The following is an entry in ClinVar:

ClinVar aggregate classification (germline): Pathogenic (1 of 4 stars; one submission).

Submission:

Labcorp Genetics (formerly Invitae), Labcorp
Classification: Pathogenic. Last evaluated: 2022-05-20. Review status: criteria provided, single submitter. Criteria: Invitae Variant Classification Sherloc (09022015). Collection method: clinical testing. Allele origin: germline.
Comment: This sequence change affects an acceptor splice site in intron 5 of the OCA2 gene. It is expected to disrupt RNA splicing. Variants that disrupt the donor or acceptor splice site typically lead to a loss of protein function (PMID: 16199547), and loss-of-function variants in OCA2 are known to be pathogenic (PMID: 19865097, 21541274). This variant is not present in population databases (gnomAD no frequency). For these reasons, this variant has been classified as Pathogenic. Algorithms developed to predict the effect of sequence changes on RNA splicing suggest that this variant may disrupt the consensus splice site. Disruption of this splice site has been observed in individuals with ocular albinism (PMID: 27734839; Invitae).

Literature cited by the submitters: PubMed 16199547; PubMed 19865097; PubMed 21541274; PubMed 27734839.

NM_000275.3(OCA2):c.574-1G>C

Gene: OCA2 (OCA2 melanosomal transmembrane protein; minus strand). Cytogenetic location: 15q13.1.
Variant type: single nucleotide variant.
Coding change: c.574-1G>C on transcript NM_000275.3 (MANE Select); the canonical splice acceptor site of the intron before coding-DNA position 574, G replaced by C.
Molecular consequence: splice acceptor variant.
Genome position (GRCh38, 1-based): chr15:28,022,574, C>G on the plus strand (G>C on the coding strand, the complement: OCA2 is on the minus strand). VCF-style: chr15-28022574-C-G. GRCh37 (hg19) VCF-style: chr15-28267720-C-G.
Other names: c.574-1G>C (NM_001300984.2).
Identifiers: ClinVar variation 1929497 (VCV001929497.5), dbSNP rs2548474354, ClinGen allele CA391367111.
Genomic context (GRCh38, chr15:28,022,574, plus strand): 5'-CGGTGATAAGGCCAACAGCTGCCAGAGCTTTCCTTGATCCGGATATAGGCTGAACAAAAT[C>G]TGTAACAATCAGAAACGTTGAATGACAGAGGTGTGGTATGAGAGCAGTAAGGTATAAATC-3'